The following is an entry in ClinVar:

ClinVar aggregate classification (germline): Likely benign. Review status: criteria provided, multiple submitters, no conflicts (2 of 4 stars). 2 submissions from 2 submitters: Likely benign (2). Last evaluated 2025-07-27.

Conditions:
NTRK2-related disorder. Also called: NTRK2-related condition.

gnomAD v4.1: 3 of 1,613,698 alleles (0.00019%); highest among the groups gnomAD compares: African/African-American, 0.004%; no homozygotes.

Submissions (2):

Labcorp Genetics (formerly Invitae), Labcorp
Classification: Likely benign. Last evaluated: 2025-07-27. Review status: criteria provided, single submitter. Criteria: Invitae Variant Classification Sherloc (09022015). Collection method: clinical testing. Allele origin: germline.

PreventionGenetics, part of Exact Sciences
Classification: Likely benign for NTRK2-related condition. Last evaluated: 2024-11-07. Review status: criteria provided, single submitter. Criteria: ACMG Guidelines, 2015. Collection method: clinical testing. Allele origin: germline.
Comment: This variant is classified as likely benign based on ACMG/AMP sequence variant interpretation guidelines (Richards et al. 2015 PMID: 25741868, with internal and published modifications).

NM_006180.6(NTRK2):c.1764+7G>A

Gene: NTRK2 (neurotrophic receptor tyrosine kinase 2; plus strand). Cytogenetic location: 9q21.33.
Variant type: single nucleotide variant.
Coding change: c.1764+7G>A on transcript NM_006180.6 (MANE Select); 7 bases into the intron after coding-DNA position 1764, G replaced by A.
Molecular consequence: intron variant.
Genome position (GRCh38, 1-based): chr9:84,934,299, G>A. VCF-style: chr9-84934299-G-A. GRCh37 (hg19) VCF-style: chr9-87549214-G-A.
Other names: c.1248+7G>A (NM_001369535.1); c.1716+7G>A (NM_001369532.1, NM_001369533.1, NM_001018064.3); c.1680+7G>A (NM_001369534.1); c.1296+7G>A (NM_001369536.1); c.1764+7G>A (NM_006180.4).
Identifiers: ClinVar variation 3674584 (VCV003674584.3).